The following is an entry in ClinVar:

NM_001330723.2(SNX27):c.88_99del (p.Cys30_Asn33del)

Genes: SNX27 (sorting nexin 27; plus strand), LOC129931442 (ATAC-STARR-seq lymphoblastoid silent region 1324; plus strand). Cytogenetic location: 1q21.3.
Variant type: Deletion.
Coding change: c.88_99del on transcript NM_001330723.2 (MANE Select); coding-DNA positions 88 to 99, 12 bases deleted (TGCGCCGGGAAC).
Protein change: p.Cys30_Asn33del.
Molecular consequence: inframe deletion.
Genome position (GRCh38, 1-based): chr1:151,612,289-151,612,300, TGCGCCGGGAAC deleted; deleting any 12 consecutive bases within chr1:151,612,287-151,612,300 gives the same sequence; the c. name uses the placement nearest the transcript's 3' end. VCF-style (leftmost placement, unchanged base first): chr1-151612286-CACTGCGCCGGGA-C. GRCh37 (hg19) VCF-style: chr1-151584762-CACTGCGCCGGGA-C.
Other names: c.88_99del, p.Cys30_Asn33del (NM_030918.6).
Identifiers: ClinVar variation 1433783 (VCV001433783.7), dbSNP rs766981901, ClinGen allele CA1093343.

ClinVar aggregate classification (germline): Uncertain significance (1 of 4 stars; one submission).

Conditions:
Severe myoclonic epilepsy in infancy (DRVT). Also called: SEVERE MYOCLONIC EPILEPSY OF INFANCY; Dravet syndrome; Epileptic encephalopathy, early infantile, 6 (Dravet syndrome); DEVELOPMENTAL AND EPILEPTIC ENCEPHALOPATHY 6A; Severe Myoclonic Epilepsy in Infancy (SMEI). Identifiers: Orphanet 33069, MedGen C0751122, MONDO:0100135, OMIM 607208.

Submission:

Labcorp Genetics (formerly Invitae), Labcorp
Classification: Uncertain significance for Severe myoclonic epilepsy in infancy. Last evaluated: 2025-05-12. Review status: criteria provided, single submitter. Criteria: Invitae Variant Classification Sherloc (09022015). Collection method: clinical testing. Allele origin: germline.
Comment: This variant, c.88_99del, results in the deletion of 4 amino acid(s) of the SNX27 protein (p.Cys30_Asn33del), but otherwise preserves the integrity of the reading frame. This variant is present in population databases (rs766981901, gnomAD 0.02%). This variant has not been reported in the literature in individuals affected with SNX27-related conditions. ClinVar contains an entry for this variant (Variation ID: 1433783). Experimental studies and prediction algorithms are not available or were not evaluated, and the functional significance of this variant is currently unknown. In summary, the available evidence is currently insufficient to determine the role of this variant in disease. Therefore, it has been classified as a Variant of Uncertain Significance.